The following is an entry in ClinVar:

NM_001101.5(ACTB):c.511_522del (p.Leu171_Ala174del)

Gene: ACTB (actin beta; minus strand). Cytogenetic location: 7p22.1.
Variant type: Deletion.
Coding change: c.511_522del on transcript NM_001101.5 (MANE Select); coding-DNA positions 511 to 522, 12 bases deleted (CTCCCCCATGCC).
Protein change: p.Leu171_Ala174del.
Molecular consequence: inframe deletion.
Genome position (GRCh38, 1-based): chr7:5,528,561-5,528,572, GGCATGGGGGAG deleted on the plus strand (CTCCCCCATGCC on the coding strand, the reverse complement: ACTB is on the minus strand); deleting any 12 consecutive bases within chr7:5,528,561-5,528,577 gives the same sequence; the c. name uses the placement nearest the transcript's 3' end. VCF-style (leftmost placement, unchanged base first): chr7-5528560-TGGCATGGGGGAG-T. GRCh37 (hg19) VCF-style: chr7-5568191-TGGCATGGGGGAG-T.
Identifiers: ClinVar variation 1949706 (VCV001949706.5), dbSNP rs2533847746, ClinGen allele CA2580076740.

ClinVar aggregate classification (germline): Uncertain significance (1 of 4 stars; one submission).

Conditions:
Baraitser-Winter syndrome 1 (BRWS1). Also called: BARAITSER-WINTER SYNDROME 1, ATYPICAL; PACHYGYRIA, MENTAL RETARDATION, EPILEPSY, AND CHARACTERISTIC FACIES; MENTAL RETARDATION WITH EPILEPSY AND CHARACTERISTIC FACIES; Cerebrofrontofacial syndrome. Identifiers: Orphanet 2649, Orphanet 2995, MedGen C1855722, MONDO:0009470, OMIM 243310.

Submission:

Labcorp Genetics (formerly Invitae), Labcorp
Classification: Uncertain significance for Baraitser-Winter syndrome 1. Last evaluated: 2022-05-21. Review status: criteria provided, single submitter. Criteria: Invitae Variant Classification Sherloc (09022015). Collection method: clinical testing. Allele origin: germline.
Comment: In summary, the available evidence is currently insufficient to determine the role of this variant in disease. Therefore, it has been classified as a Variant of Uncertain Significance. Experimental studies and prediction algorithms are not available or were not evaluated, and the functional significance of this variant is currently unknown. This variant has not been reported in the literature in individuals affected with ACTB-related conditions. This variant is not present in population databases (gnomAD no frequency). This variant, c.511_522del, results in the deletion of 4 amino acid(s) of the ACTB protein (p.Leu171_Ala174del), but otherwise preserves the integrity of the reading frame.